The following is an entry in ClinVar:

NM_002448.3(MSX1):c.871T>C (p.Tyr291His)

Gene: MSX1 (msh homeobox 1; plus strand). Cytogenetic location: 4p16.2.
Variant type: single nucleotide variant.
Coding change: c.871T>C on transcript NM_002448.3 (MANE Select); coding-DNA position 871, T replaced by C.
Protein change: p.Tyr291His; replaces tyrosine 291 with histidine.
Molecular consequence: missense variant.
Genome position (GRCh38, 1-based): chr4:4,863,102, T>C. VCF-style: chr4-4863102-T-C. GRCh37 (hg19) VCF-style: chr4-4864829-T-C.
Other names: short protein forms Y291H.
Identifiers: ClinVar variation 5006774 (VCV005006774.2).
Genomic context (GRCh38, chr4:4,863,102, plus strand): 5'-CTCTACGGTGCCTCTGGCCCCTTCCAGCGCGCCGCGCTGCCTGTGGCGCCCGTGGGACTC[T>C]ACACGGCCCATGTGGGCTACAGCATGTACCACCTGACATAGAGGGTCCCAGGTCGCCCAC-3'
Protein context (NP_002439.2, residues 281-301): AALPVAPVGL[Tyr291His]TAHVGYSMYH

ClinVar aggregate classification (germline): Uncertain significance (1 of 4 stars; one submission).

Conditions:
Tooth agenesis, selective, 1. Also called: SECOND PREMOLARS AND THIRD MOLARS, ABSENCE OF; HYPODONTIA/OLIGODONTIA 1. Identifiers: Orphanet 99798, MedGen C3489529, MONDO:0007129, OMIM 106600. Disease mechanism: loss of function.
Hypoplastic enamel-onycholysis-hypohidrosis syndrome (TNS). Also called: WITKOP SYNDROME; NAIL DYSPLASIA WITH HYPODONTIA; Tooth-and-Nail Syndrome; ECTODERMAL DYSPLASIA 3, TOOTH/NAIL TYPE; ECTODERMAL DYSPLASIA 3, WITKOP TYPE. Identifiers: Orphanet 2228, MedGen C0406735, MONDO:0008582, OMIM 189500.
Orofacial cleft 5 (OFC5). Also called: CLEFT LIP WITH OR WITHOUT CLEFT PALATE, NONSYNDROMIC, 5. Identifiers: MedGen C1837210, MONDO:0012142, OMIM 608874.

gnomAD v4.1: 4 of 1,609,890 alleles (0.00025%); highest among the groups gnomAD compares: East Asian, 0.0067%; no homozygotes.

Submission:

Juno Genomics, Hangzhou Juno Genomics, Inc
Classification: Uncertain significance for Hypoplastic enamel-onycholysis-hypohidrosis syndrome; Orofacial cleft 5; Tooth agenesis, selective, 1. Review status: criteria provided, single submitter. Criteria: ACMG Guidelines, 2015. Collection method: clinical testing. Allele origin: germline.
Comment: Absent from controls (or at extremely low frequency if recessive) in Genome Aggregation Database.;Multiple lines of computational evidence support a deleterious effect on the gene or gene product.